The following is an entry in ClinVar:

NM_013436.5(NCKAP1):c.2111del (p.Pro704fs)

Gene: NCKAP1 (NCK associated protein 1; minus strand). Cytogenetic location: 2q32.1.
Variant type: Deletion.
Coding change: c.2111del on transcript NM_013436.5 (MANE Select); coding-DNA position 2111, one base deleted (C; older notation c.2111delC).
Protein change: p.Pro704fs; shifts the reading frame from proline 704.
Molecular consequence: frameshift variant.
Genome position (GRCh38, 1-based): chr2:182,956,504, G deleted on the plus strand (C on the coding strand, the reverse complement: NCKAP1 is on the minus strand); the first of 4 consecutive G bases (chr2:182,956,504-182,956,507); deleting any one gives the same sequence. VCF-style (leftmost placement, unchanged base first): chr2-182956503-TG-T. GRCh37 (hg19) VCF-style: chr2-183821231-TG-T.
Other names: c.2129del, p.Pro710fs (NM_205842.3); short protein forms P704fs, P710fs.
Identifiers: ClinVar variation 3773720 (VCV003773720.2).

ClinVar aggregate classification (germline): Pathogenic (1 of 4 stars; one submission).

Conditions:
NCKAP1-associated Neurodevelopmental disorder.

Submission:

Institute of Human Genetics, University of Leipzig Medical Center
Classification: Pathogenic for NCKAP1-associated neurodevelopmental disorder. Last evaluated: 2025-03-04. Review status: criteria provided, single submitter. Criteria: ACMG Guidelines, 2015. Collection method: clinical testing. Allele origin: unknown. Inheritance: Autosomal dominant inheritance. Affected: yes.
Comment: Criteria applied: PVS1,PM2

Literature cited by the submitters: PubMed 33157009.